The following is an entry in ClinVar:

NM_001377.3(DYNC2H1):c.10979_10980del (p.Glu3660fs)

Gene: DYNC2H1 (dynein cytoplasmic 2 heavy chain 1; plus strand). Cytogenetic location: 11q22.3.
Variant type: Microsatellite.
Coding change: c.10979_10980del on transcript NM_001377.3 (MANE Select); coding-DNA positions 10979 to 10980, 2 bases deleted (AG; older notation c.10979_10980delAG).
Protein change: p.Glu3660fs; shifts the reading frame from glutamic acid 3660.
Molecular consequence: frameshift variant.
Genome position (GRCh38, 1-based): chr11:103,286,343-103,286,344, AG deleted; deleting any 2 consecutive bases within chr11:103,286,341-103,286,344 gives the same sequence; the c. name uses the placement nearest the transcript's 3' end. VCF-style (leftmost placement, unchanged base first): chr11-103286340-AAG-A. GRCh37 (hg19) VCF-style: chr11-103157069-AAG-A.
Other names: c.11000_11001del, p.Glu3667fs (NM_001080463.2); short protein forms E3660fs, E3667fs.
Identifiers: ClinVar variation 5015974 (VCV005015974.1).

ClinVar aggregate classification (germline): Pathogenic (1 of 4 stars; one submission).

Conditions:
Asphyxiating thoracic dystrophy 3. Also called: SHORT-RIB THORACIC DYSPLASIA 3 WITH OR WITHOUT POLYDACTYLY; POLYDACTYLY WITH NEONATAL CHONDRODYSTROPHY, TYPE I; SHORT-RIB THORACIC DYSPLASIA 3/6 WITH POLYDACTYLY, DIGENIC; Short rib polydactyly syndrome 2B; Saldino-Noonan Syndrome. Identifiers: Orphanet 474, Orphanet 93269, Orphanet 93270, Orphanet 93271, MedGen C0036069, MONDO:0013127, OMIM 613091.

Submission:

Myriad Genetics, Inc.
Classification: Pathogenic for Asphyxiating thoracic dystrophy 3. Last evaluated: 2026-05-30. Review status: criteria provided, single submitter. Criteria: Myriad Autosomal Dominant, Autosomal Recessive and X-Linked Classification Criteria (2023). Collection method: clinical testing. Allele origin: unknown.
Comment: NM_001377.2(DYNC2H1):c.10979_10980delAG(E3660Vfs*36) is expected to be pathogenic in the context of DYNC2H1-related disorders. This variant is predicted to lead to an abnormal or absent protein product due to the creation of a premature termination codon in DYNC2H1, a gene where loss-of-function variants are known to be pathogenic. Please note: this variant was assessed in the context of healthy population screening.